The following is an entry in ClinVar:

ClinVar aggregate classification (germline): Pathogenic (1 of 4 stars; one submission).

Submission:

Labcorp Genetics (formerly Invitae), Labcorp
Classification: Pathogenic. Last evaluated: 2023-08-29. Review status: criteria provided, single submitter. Criteria: Invitae Variant Classification Sherloc (09022015). Collection method: clinical testing. Allele origin: unknown.
Comment: This variant results in a copy number gain of the genomic region encompassing exon(s) 7-9 of the PHEX gene. While the exact position of this variant cannot be determined from the data, sub-genic copy number gains are generally in tandem (PMID: 25640679). This variant is predicted to be out-of-frame, and may result in an absent or disrupted protein product. Loss-of-function variants in PHEX are known to be pathogenic (PMID: 9097956, 9106524, 19219621). A similar copy number variant has been observed in individuals with hypophosphatemic rickets (PMID: 30682568; Invitae). For these reasons, this variant has been classified as Pathogenic.

Literature cited by the submitters: PubMed 25640679; PubMed 9097956; PubMed 9106524; PubMed 19219621; PubMed 30682568.

NC_000023.10:g.(?_22112081)_(22117289_?)dup

Gene: PHEX (phosphate regulating endopeptidase X-linked; plus strand). Cytogenetic location: Xp22.11.
Variant type: Duplication.
Identifiers: ClinVar variation 3246144 (VCV003246144.1).